The following is an entry in ClinVar:

ClinVar aggregate classification (germline): Likely pathogenic. Review status: criteria provided, multiple submitters, no conflicts (2 of 4 stars). 3 submissions from 3 submitters: Likely pathogenic (3). Last evaluated 2025-07-02.

Submissions (3):

Mayo Clinic Laboratories, Mayo Clinic
Classification: Likely pathogenic. Last evaluated: 2025-07-02. Review status: criteria provided, single submitter. Criteria: ACMG Guidelines, 2015. Collection method: clinical testing. Allele origin: germline. Observed: 1 variant allele.
Comment: PM2_supporting, PVS1

Labcorp Genetics (formerly Invitae), Labcorp
Classification: Likely pathogenic. Last evaluated: 2025-06-10. Review status: criteria provided, single submitter. Criteria: Invitae Variant Classification Sherloc (09022015). Collection method: clinical testing. Allele origin: germline.
Comment: This sequence change affects a donor splice site in intron 18 of the SLC4A1 gene. It is expected to disrupt RNA splicing. Variants that disrupt the donor or acceptor splice site typically lead to a loss of protein function (PMID: 16199547), and loss-of-function variants in SLC4A1 are known to be pathogenic (PMID: 8943874, 10926824, 23255290). This variant is not present in population databases (gnomAD no frequency). This variant has not been reported in the literature in individuals affected with SLC4A1-related conditions. ClinVar contains an entry for this variant (Variation ID: 2433474). Algorithms developed to predict the effect of sequence changes on RNA splicing suggest that this variant may disrupt the consensus splice site. In summary, the currently available evidence indicates that the variant is pathogenic, but additional data are needed to prove that conclusively. Therefore, this variant has been classified as Likely Pathogenic.

Revvity Omics, Revvity
Classification: Likely pathogenic. Last evaluated: 2024-02-12. Review status: criteria provided, single submitter. Criteria: ACMG Guidelines, 2015. Collection method: clinical testing. Allele origin: germline.

Literature cited by the submitters: PubMed 16199547 (cited by Labcorp Genetics (formerly Invitae), Labcorp); PubMed 8943874 (cited by Labcorp Genetics (formerly Invitae), Labcorp); PubMed 10926824 (cited by Labcorp Genetics (formerly Invitae), Labcorp); PubMed 23255290 (cited by Labcorp Genetics (formerly Invitae), Labcorp).

NM_000342.4(SLC4A1):c.2481+1G>A

Gene: SLC4A1 (solute carrier family 4 member 1 (Diego blood group); minus strand). Cytogenetic location: 17q21.31.
Variant type: single nucleotide variant.
Coding change: c.2481+1G>A on transcript NM_000342.4 (MANE Select); the canonical splice donor site of the intron after coding-DNA position 2481, G replaced by A.
Molecular consequence: splice donor variant.
Genome position (GRCh38, 1-based): chr17:44,251,418, C>T on the plus strand (G>A on the coding strand, the complement: SLC4A1 is on the minus strand). VCF-style: chr17-44251418-C-T. GRCh37 (hg19) VCF-style: chr17-42328786-C-T.
Other names: p.?.
Identifiers: ClinVar variation 2433474 (VCV002433474.7), dbSNP rs2509958666, ClinGen allele CA399780382.
Genomic context (GRCh38, chr17:44,251,418, plus strand): 5'-CCTATCACACCCCAGCACCCTCTACCACCCCAGGCTGGGCAGCCAGAAAAGGGTCCTGTA[C>T]CCGCTTGACGTAGGGCACATCTGGGTGATACTTGGGTGGCTTGAACAGAAGCAAGATGCG-3'